The following is an entry in ClinVar:

NM_020366.4(RPGRIP1):c.3428A>G (p.Tyr1143Cys)

Gene: RPGRIP1 (RPGR interacting protein 1; plus strand). Cytogenetic location: 14q11.2.
Variant type: single nucleotide variant.
Coding change: c.3428A>G on transcript NM_020366.4 (MANE Select); coding-DNA position 3428, A replaced by G.
Protein change: p.Tyr1143Cys; replaces tyrosine 1143 with cysteine.
Molecular consequence: missense variant.
Genome position (GRCh38, 1-based): chr14:21,343,124, A>G. VCF-style: chr14-21343124-A-G. GRCh37 (hg19) VCF-style: chr14-21811283-A-G.
Other names: c.1406A>G, p.Tyr469Cys (NM_001377523.1, NM_001377950.1); c.2354A>G, p.Tyr785Cys (NM_001377948.1); c.1514A>G, p.Tyr505Cys (NM_001377949.1); c.911A>G, p.Tyr304Cys (NM_001377951.1); short protein forms Y1143C, Y304C, Y469C, Y505C, Y785C.
Identifiers: ClinVar variation 1025195 (VCV001025195.6), dbSNP rs765299022, ClinGen allele CA7089512.

ClinVar aggregate classification (germline): Uncertain significance. Review status: criteria provided, multiple submitters, no conflicts (2 of 4 stars). 2 submissions from 2 submitters: Uncertain significance (2). Last evaluated 2024-02-19.

Conditions:
Cone-rod dystrophy 13 (CORD13). Identifiers: Orphanet 1872, MedGen C2750720, MONDO:0011987, OMIM 608194.
Leber congenital amaurosis 6 (LCA6). Identifiers: Orphanet 65, MedGen C1854260, MONDO:0013446, OMIM 613826.

Allele frequency attached by ClinVar (database versions not stated): ExAC 0.00001; gnomAD 0.00002; TOPMed 0.00002.

Submissions (2):

Blueprint Genetics
Classification: Uncertain significance. Last evaluated: 2024-02-19. Review status: criteria provided, single submitter. Criteria: ACMG Guidelines, 2015. Collection method: clinical testing. Allele origin: germline.

Labcorp Genetics (formerly Invitae), Labcorp
Classification: Uncertain significance for Leber congenital amaurosis 6; Cone-rod dystrophy 13. Last evaluated: 2021-12-08. Review status: criteria provided, single submitter. Criteria: Invitae Variant Classification Sherloc (09022015). Collection method: clinical testing. Allele origin: germline.
Comment: This sequence change replaces tyrosine, which is neutral and polar, with cysteine, which is neutral and slightly polar, at codon 1143 of the RPGRIP1 protein (p.Tyr1143Cys). This variant is present in population databases (rs765299022, gnomAD 0.006%). This variant has not been reported in the literature in individuals affected with RPGRIP1-related conditions. ClinVar contains an entry for this variant (Variation ID: 1025195). Algorithms developed to predict the effect of missense changes on protein structure and function are either unavailable or do not agree on the potential impact of this missense change (SIFT: "Deleterious"; PolyPhen-2: "Probably Damaging"; Align-GVGD: "Class C0"). Algorithms developed to predict the effect of sequence changes on RNA splicing suggest that this variant may create or strengthen a splice site. In summary, the available evidence is currently insufficient to determine the role of this variant in disease. Therefore, it has been classified as a Variant of Uncertain Significance.